The following is an entry in ClinVar:

NM_001042492.3(NF1):c.545A>G (p.Tyr182Cys)

Gene: NF1 (neurofibromin 1; plus strand). Cytogenetic location: 17q11.2.
Variant type: single nucleotide variant.
Coding change: c.545A>G on transcript NM_001042492.3 (MANE Select); coding-DNA position 545, A replaced by G.
Protein change: p.Tyr182Cys; replaces tyrosine 182 with cysteine.
Molecular consequence: missense variant.
Genome position (GRCh38, 1-based): chr17:31,169,956, A>G. VCF-style: chr17-31169956-A-G. GRCh37 (hg19) VCF-style: chr17-29496974-A-G.
Other names: c.545A>G, p.Tyr182Cys (NM_000267.4, NM_001128147.3); short protein forms Y182C.
Identifiers: ClinVar variation 1478615 (VCV001478615.13), dbSNP rs2143707725, ClinGen allele CA398985199.

ClinVar aggregate classification (germline): Uncertain significance. Review status: criteria provided, multiple submitters, no conflicts (2 of 4 stars). 4 submissions from 4 submitters: Uncertain significance (4). Last evaluated 2024-02-22.
ClinVar aggregate classification (oncogenicity): Uncertain significance (1 of 4 stars; one submission).

Conditions:
Neurofibromatosis, type 1 (NF1). Also called: VON RECKLINGHAUSEN DISEASE; Peripheral type neurofibromatosis; Neurofibromatosis, type I; NEUROFIBROMATOSIS, TYPE I, SOMATIC. Identifiers: Orphanet 636, MedGen C0027831, MONDO:0018975, OMIM 162200. Disease mechanism: loss of function.
Hereditary cancer-predisposing syndrome. Also called: Hereditary Cancer Syndrome; Hereditary neoplastic syndrome; Neoplastic Syndromes, Hereditary; Tumor predisposition. Identifiers: Orphanet 140162, MedGen C0027672, MeSH D009386, MONDO:0015356.
Cardiovascular phenotype. Identifiers: MedGen CN230736.
Neoplasm. Also called: Neoplasms; tumor; Neoplasm (disease). Identifiers: MedGen C0027651, MeSH D009369, MONDO:0005070, HP:0002664.

Submissions (5):

Center for Genomic Medicine, Rigshospitalet, Copenhagen University Hospital
Classification: Uncertain significance for Neoplasm. Last evaluated: 2026-10-16. Review status: criteria provided, single submitter. Criteria: ClinGen/CGC/VICC Guidelines for Oncogenicity, 2022. Collection method: clinical testing. Allele origin: somatic. Affected: yes.

Ambry Genetics
Classification: Uncertain significance for Cardiovascular phenotype; Hereditary cancer-predisposing syndrome. Last evaluated: 2024-02-22. Review status: criteria provided, single submitter. Criteria: Ambry Variant Classification Scheme 2023. Collection method: clinical testing. Allele origin: germline.
Comment: The p.Y182C variant (also known as c.545A>G), located in coding exon 5 of the NF1 gene, results from an A to G substitution at nucleotide position 545. The tyrosine at codon 182 is replaced by cysteine, an amino acid with highly dissimilar properties. This amino acid position is highly conserved in available vertebrate species. In addition, this alteration is predicted to be deleterious by in silico analysis. Since supporting evidence is limited at this time, the clinical significance of this alteration remains unclear.

Labcorp Genetics (formerly Invitae), Labcorp
Classification: Uncertain significance for Neurofibromatosis, type 1. Last evaluated: 2024-01-11. Review status: criteria provided, single submitter. Criteria: Invitae Variant Classification Sherloc (09022015). Collection method: clinical testing. Allele origin: germline.
Comment: This sequence change replaces tyrosine, which is neutral and polar, with cysteine, which is neutral and slightly polar, at codon 182 of the NF1 protein (p.Tyr182Cys). This variant is not present in population databases (gnomAD no frequency). This variant has not been reported in the literature in individuals affected with NF1-related conditions. ClinVar contains an entry for this variant (Variation ID: 1478615). Advanced modeling of protein sequence and biophysical properties (such as structural, functional, and spatial information, amino acid conservation, physicochemical variation, residue mobility, and thermodynamic stability) performed at Invitae indicates that this missense variant is expected to disrupt NF1 protein function with a positive predictive value of 95%. In summary, the available evidence is currently insufficient to determine the role of this variant in disease. Therefore, it has been classified as a Variant of Uncertain Significance.

GeneDx
Classification: Uncertain significance. Last evaluated: 2023-12-31. Review status: criteria provided, single submitter. Criteria: GeneDx Variant Classification Process June 2021. Collection method: clinical testing. Allele origin: germline. Affected: yes.
Comment: Not observed at significant frequency in large population cohorts (gnomAD); In silico analysis supports that this missense variant has a deleterious effect on protein structure/function; Has not been previously published as pathogenic or benign to our knowledge

Women's Health and Genetics/Laboratory Corporation of America, LabCorp
Classification: Uncertain significance. Last evaluated: 2022-07-07. Review status: criteria provided, single submitter. Criteria: LabCorp Variant Classification Summary - May 2015. Collection method: clinical testing. Allele origin: germline.
Comment: Variant summary: NF1 c.545A>G (p.Tyr182Cys) results in a non-conservative amino acid change in the encoded protein sequence. Five of five in-silico tools predict a damaging effect of the variant on protein function. The variant was absent in 251080 control chromosomes (gnomAD). The available data on variant occurrences in the general population are insufficient to allow any conclusion about variant significance. To our knowledge, no occurrence of c.545A>G in individuals affected with Neurofibromatosis Type 1 and no experimental evidence demonstrating its impact on protein function have been reported. One clinical diagnostic laboratory has submitted a clinical-significance assessment for this variant to ClinVar after 2014 and classified it as uncertain significance. Based on the evidence outlined above, the variant was classified as uncertain significance.